The following is an entry in ClinVar:

NM_002454.3(MTRR):c.313T>G (p.Cys105Gly)

Gene: MTRR (5-methyltetrahydrofolate-homocysteine methyltransferase reductase; plus strand). Cytogenetic location: 5p15.31.
Variant type: single nucleotide variant.
Coding change: c.313T>G on transcript NM_002454.3 (MANE Select); coding-DNA position 313, T replaced by G.
Protein change: p.Cys105Gly; replaces cysteine 105 with glycine.
Molecular consequence: missense variant. On other transcripts: non-coding transcript variant (14).
Genome position (GRCh38, 1-based): chr5:7,875,287, T>G. VCF-style: chr5-7875287-T-G. GRCh37 (hg19) VCF-style: chr5-7875400-T-G.
Other names: c.313T>G, p.Cys105Gly (NM_001364441.2, NM_001364442.2, NM_024010.4 and 1 more transcripts); short protein forms C105G.
Identifiers: ClinVar variation 1425016 (VCV001425016.3), dbSNP rs1484416611, ClinGen allele CA359156454.

ClinVar aggregate classification (germline): Uncertain significance (1 of 4 stars; one submission).

Conditions:
Methylcobalamin deficiency type cblE (HMAE). Also called: VITAMIN B12-RESPONSIVE HOMOCYSTINURIA, cblE TYPE; HOMOCYSTINURIA-MEGALOBLASTIC ANEMIA, cblE COMPLEMENTATION TYPE; HOMOCYSTINURIA-MEGALOBLASTIC ANEMIA, cblE TYPE. Identifiers: Orphanet 2169, Orphanet 622, MedGen C1856057, MONDO:0009354, OMIM 236270.

Allele frequency attached by ClinVar (database versions not stated): gnomAD exomes below 0.00001; gnomAD 0.00001; TOPMed 0.00001.
gnomAD v4.1: 3 of 1,613,678 alleles (0.00019%); highest among the groups gnomAD compares: Admixed American, 0.0033%; no homozygotes.

Submission:

Labcorp Genetics (formerly Invitae), Labcorp
Classification: Uncertain significance for Methylcobalamin deficiency type cblE. Last evaluated: 2022-06-15. Review status: criteria provided, single submitter. Criteria: Invitae Variant Classification Sherloc (09022015). Collection method: clinical testing. Allele origin: germline.
Comment: This sequence change replaces cysteine, which is neutral and slightly polar, with glycine, which is neutral and non-polar, at codon 105 of the MTRR protein (p.Cys105Gly). This variant is present in population databases (no rsID available, gnomAD 0.003%). This variant has not been reported in the literature in individuals affected with MTRR-related conditions. Algorithms developed to predict the effect of missense changes on protein structure and function are either unavailable or do not agree on the potential impact of this missense change (SIFT: "Tolerated"; PolyPhen-2: "Probably Damaging"; Align-GVGD: "Class C0"). In summary, the available evidence is currently insufficient to determine the role of this variant in disease. Therefore, it has been classified as a Variant of Uncertain Significance.